The following is an entry in ClinVar:

NM_015978.3(TNNI3K):c.1519T>G (p.Cys507Gly)

Genes: FPGT-TNNI3K (FPGT-TNNI3K readthrough; plus strand), TNNI3K (TNNI3 interacting kinase; plus strand). Cytogenetic location: 1p31.1.
Variant type: single nucleotide variant.
Coding change: c.1519T>G on transcript NM_015978.3 (MANE Select); coding-DNA position 1519, T replaced by G.
Protein change: p.Cys507Gly; replaces cysteine 507 with glycine.
Molecular consequence: missense variant.
Genome position (GRCh38, 1-based): chr1:74,369,437, T>G. VCF-style: chr1-74369437-T-G. GRCh37 (hg19) VCF-style: chr1-74835121-T-G.
Other names: c.1822T>G, p.Cys608Gly (NM_001112808.3, NM_001199327.2); short protein forms C608G, C507G.
Identifiers: ClinVar variation 3699541 (VCV003699541.2).
Genomic context (GRCh38, chr1:74,369,437, plus strand): 5'-GCTGCCATTTCCAGTTATCGAGCCAATACCTACTGCTCCAAGTCAGATGTGGATATGTTT[T>G]GCCGAGAGGTGTCCATTCTCTGCCAGCTCAATCATCCCTGCGTAATTCAGTTTGTGGGTG-3'
Protein context (NP_057062.1, residues 497-517): YCSKSDVDMF[Cys507Gly]REVSILCQLN

ClinVar aggregate classification (germline): Uncertain significance (1 of 4 stars; one submission).

gnomAD v4.1: 38 of 1,612,132 alleles (0.0024%); highest among the groups gnomAD compares: Non-Finnish European, 0.0032%; no homozygotes.

Submission:

Labcorp Genetics (formerly Invitae), Labcorp
Classification: Uncertain significance. Last evaluated: 2024-05-12. Review status: criteria provided, single submitter. Criteria: Invitae Variant Classification Sherloc (09022015). Collection method: clinical testing. Allele origin: germline.
Comment: This sequence change replaces cysteine, which is neutral and slightly polar, with glycine, which is neutral and non-polar, at codon 507 of the TNNI3K protein (p.Cys507Gly). This variant is present in population databases (no rsID available, gnomAD 0.002%). This variant has not been reported in the literature in individuals affected with TNNI3K-related conditions. Advanced modeling of protein sequence and biophysical properties (such as structural, functional, and spatial information, amino acid conservation, physicochemical variation, residue mobility, and thermodynamic stability) performed at Invitae indicates that this missense variant is not expected to disrupt TNNI3K protein function with a negative predictive value of 80%. In summary, the available evidence is currently insufficient to determine the role of this variant in disease. Therefore, it has been classified as a Variant of Uncertain Significance.